The following is an entry in ClinVar:

ClinVar aggregate classification (germline): Uncertain significance (1 of 4 stars; one submission).

Submission:

Labcorp Genetics (formerly Invitae), Labcorp
Classification: Uncertain significance. Last evaluated: 2024-11-19. Review status: criteria provided, single submitter. Criteria: Invitae Variant Classification Sherloc (09022015). Collection method: clinical testing. Allele origin: germline.
Comment: This sequence change replaces glycine, which is neutral and non-polar, with cysteine, which is neutral and slightly polar, at codon 179 of the KLF1 protein (p.Gly179Cys). This variant is not present in population databases (gnomAD no frequency). This variant has not been reported in the literature in individuals affected with KLF1-related conditions. Invitae Evidence Modeling of protein sequence and biophysical properties (such as structural, functional, and spatial information, amino acid conservation, physicochemical variation, residue mobility, and thermodynamic stability) indicates that this missense variant is expected to disrupt KLF1 protein function with a positive predictive value of 80%. In summary, the available evidence is currently insufficient to determine the role of this variant in disease. Therefore, it has been classified as a Variant of Uncertain Significance.

NM_006563.5(KLF1):c.535G>T (p.Gly179Cys)

Genes: KLF1 (KLF transcription factor 1; minus strand), LOC130063673 (ATAC-STARR-seq lymphoblastoid silent region 10180; plus strand). Cytogenetic location: 19p13.13.
Variant type: single nucleotide variant.
Coding change: c.535G>T on transcript NM_006563.5 (MANE Select); coding-DNA position 535, G replaced by T.
Protein change: p.Gly179Cys; replaces glycine 179 with cysteine.
Molecular consequence: missense variant.
Genome position (GRCh38, 1-based): chr19:12,885,695, C>A on the plus strand (G>T on the coding strand, the complement: KLF1 is on the minus strand). VCF-style: chr19-12885695-C-A. GRCh37 (hg19) VCF-style: chr19-12996509-C-A.
Other names: short protein forms G179C.
Identifiers: ClinVar variation 3666351 (VCV003666351.2).